The following is an entry in ClinVar:

NM_024529.5(CDC73):c.1234A>C (p.Met412Leu)

Gene: CDC73 (cell division cycle 73; plus strand). Cytogenetic location: 1q31.2.
Variant type: single nucleotide variant.
Coding change: c.1234A>C on transcript NM_024529.5 (MANE Select); coding-DNA position 1234, A replaced by C.
Protein change: p.Met412Leu; replaces methionine 412 with leucine.
Molecular consequence: missense variant.
Genome position (GRCh38, 1-based): chr1:193,233,072, A>C. VCF-style: chr1-193233072-A-C. GRCh37 (hg19) VCF-style: chr1-193202202-A-C.
Other names: c.1234A>C (NM_024529.4); short protein forms M412L.
Identifiers: ClinVar variation 999180 (VCV000999180.8), dbSNP rs752959843, ClinGen allele CA1303804.

ClinVar aggregate classification (germline): Uncertain significance. Review status: criteria provided, multiple submitters, no conflicts (2 of 4 stars). 2 submissions from 2 submitters: Uncertain significance (2). Last evaluated 2026-05-07.

Conditions:
Hereditary cancer-predisposing syndrome. Also called: Hereditary Cancer Syndrome; Neoplastic Syndromes, Hereditary; Tumor predisposition; Hereditary neoplastic syndrome. Identifiers: Orphanet 140162, MedGen C0027672, MeSH D009386, MONDO:0015356.
Parathyroid carcinoma (PRTC). Also called: CDC73-Related Parathyroid Carcinoma; Parathyroid gland carcinoma. Identifiers: Orphanet 143, MedGen C0687150, MONDO:0012004, OMIM 608266, HP:0006780.

Allele frequency attached by ClinVar (database versions not stated): gnomAD exomes below 0.00001; ExAC 0.00001.
gnomAD v4.1: 1 of 1,613,402 alleles (0.000062%); highest among the groups gnomAD compares: Non-Finnish European, 0.000085%; no homozygotes.

Submissions (2):

Ambry Genetics
Classification: Uncertain significance for Hereditary cancer-predisposing syndrome. Last evaluated: 2026-05-07. Review status: criteria provided, single submitter. Criteria: Ambry Variant Classification Scheme 2023. Collection method: clinical testing. Allele origin: germline.
Comment: The p.M412L variant (also known as c.1234A>C), located in coding exon 14 of the CDC73 gene, results from an A to C substitution at nucleotide position 1234. The methionine at codon 412 is replaced by leucine, an amino acid with highly similar properties. This amino acid position is not well conserved in available vertebrate species. In addition, this alteration is predicted to be tolerated by in silico analysis. Based on the available evidence, the clinical significance of this variant remains unclear.

Labcorp Genetics (formerly Invitae), Labcorp
Classification: Uncertain significance for Parathyroid carcinoma. Last evaluated: 2022-08-17. Review status: criteria provided, single submitter. Criteria: Invitae Variant Classification Sherloc (09022015). Collection method: clinical testing. Allele origin: germline.
Comment: This sequence change replaces methionine, which is neutral and non-polar, with leucine, which is neutral and non-polar, at codon 412 of the CDC73 protein (p.Met412Leu). This variant is present in population databases (rs752959843, gnomAD 0.0009%). This variant has not been reported in the literature in individuals affected with CDC73-related conditions. ClinVar contains an entry for this variant (Variation ID: 999180). Algorithms developed to predict the effect of missense changes on protein structure and function (SIFT, PolyPhen-2, Align-GVGD) all suggest that this variant is likely to be tolerated. In summary, the available evidence is currently insufficient to determine the role of this variant in disease. Therefore, it has been classified as a Variant of Uncertain Significance.